The following is an entry in ClinVar:

ClinVar aggregate classification (germline): Benign/Likely benign. Review status: criteria provided, multiple submitters, no conflicts (2 of 4 stars). 3 submissions from 3 submitters: Benign (1); Likely benign (2). Last evaluated 2026-08-11.

Conditions:
CAPN5-related disorder. Also called: CAPN5-related condition.

Allele frequency attached by ClinVar (database versions not stated): TOPMed 0.00002; gnomAD 0.00003 and 0.00017; gnomAD exomes 0.00022 and 0.00055; ExAC 0.00061; 1000 Genomes Project 30x 0.00094; 1000 Genomes Project 0.00100.
gnomAD v4.1: 354 of 1,614,222 alleles (0.022%); highest among the groups gnomAD compares: South Asian, 0.36%; 2 homozygotes.

Submissions (3):

PreventionGenetics, part of Exact Sciences
Classification: Likely benign for CAPN5-related condition. Last evaluated: 2026-08-11. Review status: criteria provided, single submitter. Criteria: ACMG Guidelines, 2015. Collection method: clinical testing. Allele origin: germline.
Comment: This variant is classified as likely benign based on ACMG/AMP sequence variant interpretation guidelines (Richards et al. 2015 PMID: 25741868, with internal and published modifications).

Labcorp Genetics (formerly Invitae), Labcorp
Classification: Benign. Last evaluated: 2025-04-02. Review status: criteria provided, single submitter. Criteria: Invitae Variant Classification Sherloc (09022015). Collection method: clinical testing. Allele origin: germline.

Blueprint Genetics
Classification: Likely benign. Last evaluated: 2024-11-01. Review status: criteria provided, single submitter. Criteria: ACMG Guidelines, 2015. Collection method: clinical testing. Allele origin: germline.

NM_004055.5(CAPN5):c.408C>T (p.Ile136=)

Gene: CAPN5 (calpain 5; plus strand). Cytogenetic location: 11q13.5.
Variant type: single nucleotide variant.
Coding change: c.408C>T on transcript NM_004055.5 (MANE Select); coding-DNA position 408, C replaced by T.
Protein change: p.Ile136=; no amino-acid change (isoleucine 136 retained).
Molecular consequence: synonymous variant.
Genome position (GRCh38, 1-based): chr11:77,112,699, C>T. VCF-style: chr11-77112699-C-T. GRCh37 (hg19) VCF-style: chr11-76823745-C-T.
Other names: c.408C>T (NM_004055.4).
Identifiers: ClinVar variation 1167223 (VCV001167223.11), dbSNP rs369649104, ClinGen allele CA6196428.